The following is an entry in ClinVar:

NM_001042413.2(GLIS3):c.*1152T>G

Gene: GLIS3 (GLIS family zinc finger 3; minus strand). Cytogenetic location: 9p24.2.
Variant type: single nucleotide variant.
Coding change: c.*1152T>G on transcript NM_001042413.2 (MANE Select); 1152 bases downstream of the stop codon, T replaced by G.
Molecular consequence: 3 prime UTR variant.
Genome position (GRCh38, 1-based): chr9:3,827,120, A>C on the plus strand (T>G on the coding strand, the complement: GLIS3 is on the minus strand). VCF-style: chr9-3827120-A-C. GRCh37 (hg19) VCF-style: chr9-3827120-A-C.
Other names: NC_000009.11:g.3827120A>C; c.*1152T>G (NM_152629.4).
Identifiers: ClinVar variation 366939 (VCV000366939.7), dbSNP rs1331260, ClinGen allele CA10633750.

ClinVar aggregate classification (germline): Benign. Review status: criteria provided, multiple submitters, no conflicts (2 of 4 stars). 2 submissions from 2 submitters: Benign (2). Last evaluated 2018-01-13.

Conditions:
Neonatal diabetes mellitus with congenital hypothyroidism. Also called: NDH SYNDROME. Identifiers: Orphanet 79118, MedGen C1857775, MONDO:0012436, OMIM 610199.

Allele frequency attached by ClinVar (database versions not stated): gnomAD exomes 0.30000; TOPMed 0.38538; gnomAD 0.39087 and 0.39264; 1000 Genomes Project 0.39477; 1000 Genomes Project 30x 0.40162.
gnomAD v4.1: 59,483 of 152,036 alleles (39%); highest among the groups gnomAD compares: South Asian, 48%; 11,718 homozygotes.

Submissions (4):

Illumina Laboratory Services, Illumina
Classification: Benign for Neonatal diabetes mellitus with congenital hypothyroidism. Last evaluated: 2018-01-13. Review status: criteria provided, single submitter. Criteria: ICSL Variant Classification Criteria 13 December 2019. Collection method: clinical testing. Allele origin: germline.
Comment: This variant was observed in the ICSL laboratory as part of a predisposition screen in an ostensibly healthy population. It had not been previously curated by ICSL or reported in the Human Gene Mutation Database (HGMD: prior to June 1st, 2018), and was therefore a candidate for classification through an automated scoring system. Utilizing variant allele frequency, disease prevalence and penetrance estimates, and inheritance mode, an automated score was calculated to assess if this variant is too frequent to cause the disease. Based on the score and internal cut-off values, a variant classified as benign is not then subjected to further curation. The score for this variant resulted in a classification of benign for this disease.

Breakthrough Genomics
Classification: Benign. Review status: criteria provided, single submitter. Criteria: ACMG Guidelines, 2015. Collection method: not provided. Allele origin: germline. Inheritance: Autosomal recessive inheritance. Affected: yes.

Dr. Peter K. Rogan Lab, Western University
No classification provided (evidence only). Condition: Uterine corpus endometrial carcinoma. Review status: no classification provided. Collection method: in vitro. Allele origin: not applicable. Functional consequence: retained intron. Not counted in ClinVar's aggregate classification.

Dr. Peter K. Rogan Lab, Western University
No classification provided (evidence only). Condition: Uterine corpus endometrial carcinoma. Review status: no classification provided. Collection method: in vitro. Allele origin: not applicable. Functional consequence: retained intron. Not counted in ClinVar's aggregate classification.